The following is an entry in ClinVar:

NM_005458.8(GABBR2):c.1774A>T (p.Ile592Phe)

Gene: GABBR2 (gamma-aminobutyric acid type B receptor subunit 2; minus strand). Cytogenetic location: 9q22.33.
Variant type: single nucleotide variant.
Coding change: c.1774A>T on transcript NM_005458.8 (MANE Select); coding-DNA position 1774, A replaced by T.
Protein change: p.Ile592Phe; replaces isoleucine 592 with phenylalanine.
Molecular consequence: missense variant.
Genome position (GRCh38, 1-based): chr9:98,362,834, T>A on the plus strand (A>T on the coding strand, the complement: GABBR2 is on the minus strand). VCF-style: chr9-98362834-T-A. GRCh37 (hg19) VCF-style: chr9-101125116-T-A.
Other names: short protein forms I592F.
Identifiers: ClinVar variation 4771196 (VCV004771196.1).
Genomic context (GRCh38, chr9:98,362,834, plus strand): 5'-GGATACACAGGTCGATCAGCAGCATGCCCCCCACGATCACAAGCAGTTTCTGGTCCTTGA[T>A]GATCTACAGAGCGGGAAGGAGCAGAGGGGAGCCGATGTGAGAGACAGCTTCCCACGCAGC-3'
Protein context (NP_005449.5, residues 582-602): FKNVKMKKKI[Ile592Phe]KDQKLLVIVG

ClinVar aggregate classification (germline): Uncertain significance (1 of 4 stars; one submission).

Conditions:
Epileptic encephalopathy. Identifiers: MedGen C0543888, HP:0200134.

Submission:

Labcorp Genetics (formerly Invitae), Labcorp
Classification: Uncertain significance for Epileptic encephalopathy. Last evaluated: 2025-07-27. Review status: criteria provided, single submitter. Criteria: Invitae Variant Classification Sherloc (09022015). Collection method: clinical testing. Allele origin: germline.
Comment: This sequence change replaces isoleucine, which is neutral and non-polar, with phenylalanine, which is neutral and non-polar, at codon 592 of the GABBR2 protein (p.Ile592Phe). This variant is not present in population databases (gnomAD no frequency). This variant has not been reported in the literature in individuals affected with GABBR2-related conditions. Invitae Evidence Modeling of protein sequence and biophysical properties (such as structural, functional, and spatial information, amino acid conservation, physicochemical variation, residue mobility, and thermodynamic stability) indicates that this missense variant is not expected to disrupt GABBR2 protein function with a negative predictive value of 80%. In summary, the available evidence is currently insufficient to determine the role of this variant in disease. Therefore, it has been classified as a Variant of Uncertain Significance.